The following is an entry in ClinVar:

ClinVar aggregate classification (germline): Conflicting classifications of pathogenicity. Review status: criteria provided, conflicting classifications (1 of 4 stars). 3 submissions from 3 submitters: Uncertain significance (1); Benign (1); Likely benign (1). Last evaluated 2026-01-27.

Conditions:
Autosomal recessive early-onset Parkinson disease 6 (PARK6). Also called: PINK1-Related Parkinson Disease; PARKINSON DISEASE 6, MODIFIER OF; PINK1 Type of Young-Onset Parkinson Disease; PARKINSON DISEASE 6, EARLY-ONSET. Identifiers: Orphanet 2828, MedGen C1853833, MONDO:0011613, OMIM 605909.

Allele frequency attached by ClinVar (database versions not stated): 1000 Genomes Project 30x 0.00234; 1000 Genomes Project 0.00300; TOPMed 0.00305.
gnomAD v4.1: 819 of 1,318,816 alleles (0.062%); highest among the groups gnomAD compares: African/African-American, 1.1%; 1 homozygote.

Submissions (3):

Labcorp Genetics (formerly Invitae), Labcorp
Classification: Benign for Autosomal recessive early-onset Parkinson disease 6. Last evaluated: 2026-01-27. Review status: criteria provided, single submitter. Criteria: Invitae Variant Classification Sherloc (09022015). Collection method: clinical testing. Allele origin: germline.

CeGaT Center for Human Genetics Tuebingen
Classification: Likely benign. Last evaluated: 2025-09-01. Review status: criteria provided, single submitter. Criteria: CeGaT Center For Human Genetics Tuebingen Variant Classification Criteria Version 2. Collection method: clinical testing. Allele origin: germline. Affected: yes. Observed: 2 variant alleles.
Comment: PINK1: PM5, BS1

Illumina Laboratory Services, Illumina
Classification: Uncertain significance for Autosomal recessive early-onset Parkinson disease 6. Last evaluated: 2018-01-12. Review status: criteria provided, single submitter. Criteria: ICSL Variant Classification Criteria 13 December 2019. Collection method: clinical testing. Allele origin: germline.

NM_032409.3(PINK1):c.88G>C (p.Gly30Arg)

Gene: PINK1 (PTEN induced kinase 1; plus strand). Cytogenetic location: 1p36.12.
Variant type: single nucleotide variant.
Coding change: c.88G>C on transcript NM_032409.3 (MANE Select); coding-DNA position 88, G replaced by C.
Protein change: p.Gly30Arg; replaces glycine 30 with arginine.
Molecular consequence: missense variant.
Genome position (GRCh38, 1-based): chr1:20,633,636, G>C. VCF-style: chr1-20633636-G-C. GRCh37 (hg19) VCF-style: chr1-20960129-G-C.
Other names: short protein forms G30R.
Identifiers: ClinVar variation 294997 (VCV000294997.41), dbSNP rs569753606, ClinGen allele CA10608797.
Genomic context (GRCh38, chr1:20,633,636, plus strand): 5'-GGCCTGCAGCTGGGTCGAGCGCTGCTGCTGCGCTTCACGGGCAAGCCCGGCCGGGCCTAC[G>C]GCTTGGGGCGGCCGGGCCCGGCGGCGGGCTGTGTCCGCGGGGAGCGTCCAGGCTGGGCCG-3'
Protein context (NP_115785.1, residues 20-40): RFTGKPGRAY[Gly30Arg]LGRPGPAAGC